The following is an entry in ClinVar:

ClinVar aggregate classification (germline): Uncertain significance (1 of 4 stars; one submission).

Conditions:
Neuronal ceroid lipofuscinosis. Also called: Neuronal Ceroid Lipofuscinoses. Identifiers: Orphanet 216, Orphanet 79263, MedGen C0027877, MONDO:0016295. Disease mechanism: loss of function.

Allele frequency attached by ClinVar (database versions not stated): TOPMed below 0.00001; gnomAD 0.00001.
gnomAD v4.1: 1 of 1,612,160 alleles (0.000062%); highest among the groups gnomAD compares: African/African-American, 0.0013%; no homozygotes.

Submission:

Labcorp Genetics (formerly Invitae), Labcorp
Classification: Uncertain significance for Neuronal ceroid lipofuscinosis. Last evaluated: 2024-04-15. Review status: criteria provided, single submitter. Criteria: Invitae Variant Classification Sherloc (09022015). Collection method: clinical testing. Allele origin: germline.
Comment: This sequence change replaces isoleucine, which is neutral and non-polar, with valine, which is neutral and non-polar, at codon 119 of the CTSD protein (p.Ile119Val). This variant is present in population databases (rs768013885, gnomAD 0.007%). This variant has not been reported in the literature in individuals affected with CTSD-related conditions. ClinVar contains an entry for this variant (Variation ID: 2020576). Algorithms developed to predict the effect of missense changes on protein structure and function output the following: SIFT: "Not Available"; PolyPhen-2: "Benign"; Align-GVGD: "Not Available". The valine amino acid residue is found in multiple mammalian species, which suggests that this missense change does not adversely affect protein function. In summary, the available evidence is currently insufficient to determine the role of this variant in disease. Therefore, it has been classified as a Variant of Uncertain Significance.

NM_001909.5(CTSD):c.355A>G (p.Ile119Val)

Gene: CTSD (cathepsin D; minus strand). Cytogenetic location: 11p15.5.
Variant type: single nucleotide variant.
Coding change: c.355A>G on transcript NM_001909.5 (MANE Select); coding-DNA position 355, A replaced by G.
Protein change: p.Ile119Val; replaces isoleucine 119 with valine.
Molecular consequence: missense variant.
Genome position (GRCh38, 1-based): chr11:1,759,085, T>C on the plus strand (A>G on the coding strand, the complement: CTSD is on the minus strand). VCF-style: chr11-1759085-T-C. GRCh37 (hg19) VCF-style: chr11-1780315-T-C.
Other names: short protein forms I119V.
Identifiers: ClinVar variation 2020576 (VCV002020576.4), dbSNP rs768013885, ClinGen allele CA5814192.
Genomic context (GRCh38, chr11:1,759,085, plus strand): 5'-CAAACGAGGTACCATTCTTCACGTAGGTGCTGGACTTGTCGCTGTTGTACTTGTGGTGGA[T>C]CCCTGCCCCGGGCGACAAGGGGGCCCGCCGGTCATCCCGCAGCCCACGCCACGGCCTTAG-3'
Protein context (NP_001900.1, residues 109-129): HCKLLDIACW[Ile119Val]HHKYNSDKSS